The following is an entry in ClinVar:

NM_001042475.3(CEP85L):c.1020+17468G>A

Gene: CEP85L (centrosomal protein 85L; minus strand). Cytogenetic location: 6q22.31.
Variant type: single nucleotide variant.
Coding change: c.1020+17468G>A on transcript NM_001042475.3 (MANE Select); 17468 bases into the intron after coding-DNA position 1020, G replaced by A.
Molecular consequence: intron variant.
Genome position (GRCh38, 1-based): chr6:118,548,061, C>T on the plus strand (G>A on the coding strand, the complement: CEP85L is on the minus strand). VCF-style: chr6-118548061-C-T. GRCh37 (hg19) VCF-style: chr6-118869224-C-T.
Other names: c.1029+17468G>A (NM_001178035.2); c.1020+17468G>A (NM_206921.3).
Identifiers: ClinVar variation 1330390 (VCV001330390.11), dbSNP rs185846037, ClinGen allele CA10582440.

ClinVar aggregate classification (germline): Likely benign. Review status: criteria provided, multiple submitters, no conflicts (2 of 4 stars). 2 submissions from 2 submitters: Likely benign (2). Last evaluated 2026-08-01.

Conditions:
Lissencephaly 10. Identifiers: MedGen C5394354, MONDO:0030031, OMIM 618873.

Allele frequency attached by ClinVar (database versions not stated): TOPMed 0.00232; gnomAD 0.00223 and 0.00240; 1000 Genomes Project 0.00260; 1000 Genomes Project 30x 0.00265.
gnomAD v4.1: 334 of 152,170 alleles (0.22%); highest among the groups gnomAD compares: African/African-American, 0.75%; 2 homozygotes.

Submissions (2):

CeGaT Center for Human Genetics Tuebingen
Classification: Likely benign. Last evaluated: 2026-08-01. Review status: criteria provided, single submitter. Criteria: CeGaT Center For Human Genetics Tuebingen Variant Classification Criteria Version 2. Collection method: clinical testing. Allele origin: germline. Affected: yes. Observed: 4 variant alleles.
Comment: CEP85L: BS1

ARUP Laboratories, Molecular Genetics and Genomics, ARUP Laboratories
Classification: Likely benign for Lissencephaly 10. Last evaluated: 2020-10-01. Review status: criteria provided, single submitter. Criteria: ARUP Molecular Germline Variant Investigation Process 2021. Collection method: clinical testing. Allele origin: germline.